The following is an entry in ClinVar:

NM_007294.4(BRCA1):c.2666C>T (p.Ser889Phe)

Gene: BRCA1 (BRCA1 DNA repair associated; minus strand). Cytogenetic location: 17q21.31.
Variant type: single nucleotide variant.
Coding change: c.2666C>T on transcript NM_007294.4 (MANE Select); coding-DNA position 2666, C replaced by T.
Protein change: p.Ser889Phe; replaces serine 889 with phenylalanine.
Molecular consequence: missense variant. On other transcripts: intron variant (137).
Genome position (GRCh38, 1-based): chr17:43,092,865, G>A on the plus strand (C>T on the coding strand, the complement: BRCA1 is on the minus strand). VCF-style: chr17-43092865-G-A. GRCh37 (hg19) VCF-style: chr17-41244882-G-A.
Other names: c.2453C>T, p.Ser818Phe (NM_001407571.1, NM_001407894.1, NM_001407895.1 and 9 more transcripts); c.2666C>T, p.Ser889Phe (NM_001407581.1, NM_001407582.1, NM_001407583.1 and 30 more transcripts); c.2663C>T, p.Ser888Phe (NM_001407587.1, NM_001407590.1, NM_001407591.1 and 22 more transcripts); c.2657C>T, p.Ser886Phe (NM_001407646.1, NM_001407647.1); c.2585C>T, p.Ser862Phe (NM_001407659.1, NM_001407660.1, NM_001407661.1 and 1 more transcripts); c.2588C>T, p.Ser863Phe (NM_001407663.1, NM_001407653.1, NM_001407654.1 and 4 more transcripts); c.2543C>T, p.Ser848Phe (NM_001407664.1, NM_001407665.1, NM_001407666.1 and 19 more transcripts); c.2540C>T, p.Ser847Phe (NM_001407685.1, NM_001407686.1, NM_001407940.1 and 11 more transcripts); and 41 more; short protein forms S889F, S842F, S761F, S847F, S862F, S863F, S721F, S778F.
Identifiers: ClinVar variation 186759 (VCV000186759.38), dbSNP rs769712441, ClinGen allele CA001744.

ClinVar aggregate classification (germline): Conflicting classifications of pathogenicity. Review status: criteria provided, conflicting classifications (1 of 4 stars). 10 submissions from 10 submitters: Uncertain significance (7); Likely benign (3). Last evaluated 2025-11-09.

Conditions:
Hereditary cancer-predisposing syndrome. Also called: Tumor predisposition; Neoplastic Syndromes, Hereditary; Hereditary neoplastic syndrome; Hereditary Cancer Syndrome. Identifiers: Orphanet 140162, MedGen C0027672, MeSH D009386, MONDO:0015356.
Familial pancreatic carcinoma. Identifiers: Orphanet 1333, MedGen C2931038, MONDO:0015278, OMIM 260350.
Hereditary breast ovarian cancer syndrome. Also called: Hereditary breast and ovarian cancer syndrome; Hereditary breast and ovarian cancer syndrome (HBOC); Hereditary breast and ovarian cancer; Breast and ovarian cancer; BRCA1- and BRCA2-Associated Hereditary Breast and Ovarian Cancer; Hereditary breast and/or ovarian cancer syndrome. Identifiers: Orphanet 145, MedGen C0677776, MeSH D061325, MONDO:0003582. Disease mechanism: loss of function.

Allele frequency attached by ClinVar (database versions not stated): ExAC 0.00001; gnomAD exomes 0.00001; TOPMed 0.00001.
gnomAD v4.1: 13 of 1,613,976 alleles (0.00081%); highest among the groups gnomAD compares: Non-Finnish European, 0.0011%; no homozygotes.

Submissions (10):

Labcorp Genetics (formerly Invitae), Labcorp
Classification: Uncertain significance for Hereditary breast ovarian cancer syndrome. Last evaluated: 2025-11-09. Review status: criteria provided, single submitter. Criteria: Invitae Variant Classification Sherloc (09022015). Collection method: clinical testing. Allele origin: germline.
Comment: This sequence change replaces serine, which is neutral and polar, with phenylalanine, which is neutral and non-polar, at codon 889 of the BRCA1 protein (p.Ser889Phe). This variant is present in population databases (rs769712441, gnomAD 0.002%). This missense change has been observed in individual(s) with breast cancer or suspected hereditary cancer (PMID: 21918853, 34981296). This variant is also known as 2785C>T. ClinVar contains an entry for this variant (Variation ID: 186759). Invitae Evidence Modeling of protein sequence and biophysical properties (such as structural, functional, and spatial information, amino acid conservation, physicochemical variation, residue mobility, and thermodynamic stability) indicates that this missense variant is not expected to disrupt BRCA1 protein function with a negative predictive value of 80%. In summary, the available evidence is currently insufficient to determine the role of this variant in disease. Therefore, it has been classified as a Variant of Uncertain Significance.

Ambry Genetics
Classification: Uncertain significance for Hereditary cancer-predisposing syndrome. Last evaluated: 2025-05-28. Review status: criteria provided, single submitter. Criteria: Ambry Variant Classification Scheme 2023. Collection method: clinical testing. Allele origin: germline.
Comment: The p.S889F variant (also known as c.2666C>T), located in coding exon 9 of the BRCA1 gene, results from a C to T substitution at nucleotide position 2666. The serine at codon 889 is replaced by phenylalanine, an amino acid with highly dissimilar properties. This variant has been reported in multiple breast and ovarian cancer cohorts (de Juan Jim&eacute;nez I et al. Fam Cancer, 2012 Mar;11:49-56; Grigore LG et al. Curr Issues Mol Biol, 2024 May;46:4630-4645; Hovland HN et al. Fam Cancer, 2022 Oct;21:389-398). This alteration was identified in a cohort of pediatric patients referred for genetic testing for diverse clinical indications (Chirita-Emandi A et al. Sci Rep. 2020 01;10:223). In a study of whole-exome sequencing in patients with features of Cowden syndrome (CS) or Bannayan-Riley-Ruvalcaba syndrome (BRRS) and negative PTEN testing, this alteration was identified in 0/87 patients with CS or BRRS and 1/3476 patients from The Cancer Genome Atlas (TCGA) (Yehia L et al. PLoS Genet. 2018 04;14:e1007352). Of note, this alteration is also known as c.2785C>T in published literature. This amino acid position is well conserved in available vertebrate species. In addition, the in silico prediction for this alteration is inconclusive. Based on the available evidence, the clinical significance of this variant remains unclear.

Center for Genomic Medicine, Rigshospitalet, Copenhagen University Hospital
Classification: Uncertain significance. Last evaluated: 2025-03-04. Review status: criteria provided, single submitter. Criteria: ACMG Guidelines, 2015. Collection method: clinical testing. Allele origin: germline.

ARUP Laboratories, Molecular Genetics and Genomics, ARUP Laboratories
Classification: Uncertain significance. Last evaluated: 2025-01-21. Review status: criteria provided, single submitter. Criteria: ARUP Molecular Germline Variant Investigation Process 2024. Collection method: clinical testing. Allele origin: germline.
Comment: The BRCA1 c.2666C>T; p.Ser889Phe variant (rs769712441, ClinVar Variation ID: 186759) is reported in the literature in individuals affected with breast or cancer, but without clear disease association (de Juan Jimenez 2012, Weren 2017). This variant is only observed on three alleles in the Genome Aggregation Database (v2.1.1), indicating it is not a common polymorphism. Computational analyses are uncertain whether this variant is neutral or deleterious (REVEL: 0.449). Due to limited information, the clinical significance of this variant is uncertain at this time. References: de Juan Jimenez et al. Low prevalence of BRCA1 and BRCA2 mutations in the sporadic breast cancer of Spanish population. Fam Cancer. 2012 Mar;11(1):49-56. PMID: 21918853. Weren RD et al. Novel BRCA1 and BRCA2 Tumor Test as Basis for Treatment Decisions and Referral for Genetic Counselling of Patients with Ovarian Carcinomas. Hum Mutat. 2017 Feb;38(2):226-235. PMID: 27767231.

Blueprint Genetics
Classification: Likely benign. Last evaluated: 2024-10-30. Review status: criteria provided, single submitter. Criteria: ACMG Guidelines, 2015. Collection method: clinical testing. Allele origin: germline.

Department of Pathology and Laboratory Medicine, Sinai Health System
Classification: Likely benign for Familial pancreatic carcinoma. Last evaluated: 2024-02-05. Review status: criteria provided, single submitter. Criteria: ACMG Guidelines, 2015. Collection method: clinical testing. Allele origin: germline. Affected: yes.

Quest Diagnostics Nichols Institute San Juan Capistrano
Classification: Uncertain significance. Last evaluated: 2023-06-26. Review status: criteria provided, single submitter. Criteria: Quest Diagnostics criteria. Collection method: clinical testing. Allele origin: unknown.
Comment: The frequency of this variant in the general population, 0.000026 (3/113468 chromosomes), is uninformative in assessment of its pathogenicity. In the published literature, the variant has been reported in an individual with breast cancer (PMID: 21918853 (2012)), kidney cancer (PMID: 29684080 (2018)), and in healthy control individuals (PMID: 33471991 (2021); LOVD3 Shared). In addition, this variant has been reported in the somatic state in an individual with sporadic triple negative breast cancer (PMID: 29202330 (2018)). Analysis of this variant using bioinformatics tools for the prediction of the effect of amino acid changes on protein structure and function yielded conflicting predictions that this variant is benign or damaging. Based on the available information, we are unable to determine the clinical significance of this variant.

University of Washington Department of Laboratory Medicine, University of Washington
Classification: Likely benign for Hereditary cancer-predisposing syndrome. Last evaluated: 2023-03-23. Review status: criteria provided, single submitter. Criteria: Dines et al. (Genet Med. 2020). Collection method: curation. Allele origin: germline.
Comment: Missense variant in a coldspot region where missense variants are very unlikely to be pathogenic (PMID:31911673).

BRCA1 coldspot (exon 11 using historical exon numbering). Reclassification based on statistical prior probability

Color Diagnostics, LLC DBA Color Health
Classification: Uncertain significance for Hereditary cancer-predisposing syndrome. Last evaluated: 2023-03-06. Review status: criteria provided, single submitter. Criteria: ACMG Guidelines, 2015. Collection method: clinical testing. Allele origin: germline.
Comment: This missense variant replaces serine with phenylalanine at codon 889 of the BRCA1 protein. Computational prediction suggests that this variant may not impact protein structure and function (internally defined REVEL score threshold <= 0.5, PMID: 27666373). To our knowledge, functional studies have not been reported for this variant. This variant has been detected in at least two individuals affected with breast cancer and one individual each affected with kidney and unspecified pediatric cancer (PMID: 21918853, 29684080, 31937788; Color data) and in a breast cancer case-control meta-analysis in 2/53461 unaffected individuals and absent in 60466 cases (PMID: 33471991; Leiden Open Variation Database DB-ID BRCA1_006398). This variant has been identified in 3/251042 chromosomes in the general population by the Genome Aggregation Database (gnomAD). The available evidence is insufficient to determine the role of this variant in disease conclusively. Therefore, this variant is classified as a Variant of Uncertain Significance.

GeneDx
Classification: Uncertain significance. Last evaluated: 2020-03-17. Review status: criteria provided, single submitter. Criteria: GeneDx Variant Classification Process June 2021. Collection method: clinical testing. Allele origin: germline. Affected: yes.
Comment: Not observed at a significant frequency in large population cohorts (Lek 2016); In silico analysis supports that this missense variant has a deleterious effect on protein structure/function; Observed in individuals with breast cancer (de Juan Jimenez 2012); Also known as 2785C>T; This variant is associated with the following publications: (PMID: 33206719, 31937788, 27767231, 21918853)

Literature cited by the submitters: PubMed 21918853 (cited by 6 submitters); PubMed 34981296 (cited by Labcorp Genetics (formerly Invitae), Labcorp and Ambry Genetics); PubMed 29684080 (cited by 3 submitters); PubMed 31937788 (cited by 4 submitters); PubMed 38785549 (cited by Ambry Genetics); PubMed 29202330 (cited by Department of Pathology and Laboratory Medicine, Sinai Health System and Quest Diagnostics Nichols Institute San Juan Capistrano); PubMed 33471991 (cited by 3 submitters); PubMed 33206719 (cited by Quest Diagnostics Nichols Institute San Juan Capistrano); PubMed 27767231 (cited by Quest Diagnostics Nichols Institute San Juan Capistrano).